The following is an entry in ClinVar:

ClinVar aggregate classification (germline): Uncertain significance (1 of 4 stars; one submission).

Conditions:
Spongy degeneration of central nervous system. Also called: ACY2 DEFICIENCY; AMINOACYLASE 2 DEFICIENCY; ASP DEFICIENCY; ASPA DEFICIENCY; ASPARTOACYLASE DEFICIENCY; CANAVAN-VAN BOGAERT-BERTRAND DISEASE. Identifiers: Orphanet 141, MedGen C0206307, MONDO:0010079, OMIM 271900.

Allele frequency attached by ClinVar (database versions not stated): gnomAD 0.00002; gnomAD exomes 0.00003 and 0.00002; ExAC 0.00004; TOPMed 0.00002.
gnomAD v4.1: 44 of 1,613,800 alleles (0.0027%); highest among the groups gnomAD compares: Non-Finnish European, 0.0034%; no homozygotes.

Submission:

Labcorp Genetics (formerly Invitae), Labcorp
Classification: Uncertain significance for Spongy degeneration of central nervous system. Last evaluated: 2022-03-06. Review status: criteria provided, single submitter. Criteria: Invitae Variant Classification Sherloc (09022015). Collection method: clinical testing. Allele origin: germline.
Comment: This sequence change replaces arginine, which is basic and polar, with histidine, which is basic and polar, at codon 309 of the ASPA protein (p.Arg309His). This variant is present in population databases (rs778121276, gnomAD 0.004%). This variant has not been reported in the literature in individuals affected with ASPA-related conditions. Advanced modeling of protein sequence and biophysical properties (such as structural, functional, and spatial information, amino acid conservation, physicochemical variation, residue mobility, and thermodynamic stability) performed at Invitae indicates that this missense variant is not expected to disrupt ASPA protein function. In summary, the available evidence is currently insufficient to determine the role of this variant in disease. Therefore, it has been classified as a Variant of Uncertain Significance.

NM_000049.4(ASPA):c.926G>A (p.Arg309His)

Genes: ASPA (aspartoacylase; plus strand), SPATA22 (spermatogenesis associated 22; minus strand). Cytogenetic location: 17p13.2.
Variant type: single nucleotide variant.
Coding change: c.926G>A on transcript NM_000049.4 (MANE Select); coding-DNA position 926, G replaced by A.
Protein change: p.Arg309His; replaces arginine 309 with histidine.
Molecular consequence: missense variant. On other transcripts: intron variant (2).
Genome position (GRCh38, 1-based): chr17:3,499,072, G>A. VCF-style: chr17-3499072-G-A. GRCh37 (hg19) VCF-style: chr17-3402366-G-A.
Other names: c.926G>A, p.Arg309His (NM_001128085.1); c.-74+14340C>T (NM_001321336.2, NM_001321337.2); short protein forms R309H.
Identifiers: ClinVar variation 1364027 (VCV001364027.6), dbSNP rs778121276, ClinGen allele CA8289068.